The following is an entry in ClinVar:

NM_015681.6(B9D1):c.612G>T (p.Gln204His)

Gene: B9D1 (B9 domain containing 1; minus strand). Cytogenetic location: 17p11.2.
Variant type: single nucleotide variant.
Coding change: c.612G>T on transcript NM_015681.6 (MANE Select); coding-DNA position 612, G replaced by T.
Protein change: p.Gln204His; replaces glutamine 204 with histidine.
Molecular consequence: missense variant. On other transcripts: 3 prime UTR variant (2), intron variant (4).
Genome position (GRCh38, 1-based): chr17:19,343,322, C>A on the plus strand (G>T on the coding strand, the complement: B9D1 is on the minus strand). VCF-style: chr17-19343322-C-A. GRCh37 (hg19) VCF-style: chr17-19246635-C-A.
Other names: c.*137G>T (NM_001321214.2); c.*388G>T (NM_001321215.3); c.112+468G>T (NM_001368769.2); c.404+3947G>T (NM_001321219.2); c.472+468G>T (NM_001321218.2, NM_001321217.2); short protein forms Q204H.
Identifiers: ClinVar variation 2936927 (VCV002936927.3), dbSNP rs772797594, ClinGen allele CA8440058.

ClinVar aggregate classification (germline): Uncertain significance. Review status: criteria provided, multiple submitters, no conflicts (2 of 4 stars). 2 submissions from 2 submitters: Uncertain significance (2). Last evaluated 2025-05-27.

Conditions:
Joubert syndrome. Also called: Familial aplasia of the vermis; JOUBERT-BOLTSHAUSER SYNDROME. Identifiers: Orphanet 475, MedGen C5979921, MONDO:0018772.
Meckel-Gruber syndrome. Also called: DYSENCEPHALIA SPLANCHNOCYSTICA; Dysencephalia splachnocystica; GRUBER SYNDROME. Identifiers: Orphanet 564, MedGen C0265215, MONDO:0018921.

Allele frequency attached by ClinVar (database versions not stated): TOPMed below 0.00001; ExAC 0.00001.
gnomAD v4.1: 4 of 1,614,184 alleles (0.00025%); highest among the groups gnomAD compares: Non-Finnish European, 0.00034%; no homozygotes.

Submissions (2):

Labcorp Genetics (formerly Invitae), Labcorp
Classification: Uncertain significance for Joubert syndrome; Meckel-Gruber syndrome. Last evaluated: 2025-05-27. Review status: criteria provided, single submitter. Criteria: Invitae Variant Classification Sherloc (09022015). Collection method: clinical testing. Allele origin: germline.
Comment: This sequence change replaces glutamine, which is neutral and polar, with histidine, which is basic and polar, at codon 204 of the B9D1 protein (p.Gln204His). This variant is present in population databases (rs772797594, gnomAD 0.0009%). This variant has not been reported in the literature in individuals affected with B9D1-related conditions. ClinVar contains an entry for this variant (Variation ID: 2936927). An algorithm developed to predict the effect of missense changes on protein structure and function outputs the following: PolyPhen-2: "Benign". The histidine amino acid residue is found in multiple mammalian species, which suggests that this missense change does not adversely affect protein function. In summary, the available evidence is currently insufficient to determine the role of this variant in disease. Therefore, it has been classified as a Variant of Uncertain Significance.

Blueprint Genetics
Classification: Uncertain significance. Last evaluated: 2018-06-08. Review status: criteria provided, single submitter. Criteria: ACMG Guidelines, 2015. Collection method: clinical testing. Allele origin: germline.